The following is an entry in ClinVar:

ClinVar aggregate classification (germline): Uncertain significance. Review status: criteria provided, multiple submitters, no conflicts (2 of 4 stars). 3 submissions from 3 submitters: Uncertain significance (3). Last evaluated 2024-08-02.

Conditions:
Juvenile polyposis syndrome (JPS). Identifiers: Orphanet 2929, MedGen C0345893, MONDO:0017380, OMIM 174900.
Hereditary cancer-predisposing syndrome. Also called: Hereditary neoplastic syndrome; Tumor predisposition; Neoplastic Syndromes, Hereditary; Hereditary Cancer Syndrome. Identifiers: Orphanet 140162, MedGen C0027672, MeSH D009386, MONDO:0015356.

Allele frequency attached by ClinVar (database versions not stated): gnomAD 0.00001.
gnomAD v4.1: 1 of 1,614,058 alleles (0.000062%); highest among the groups gnomAD compares: African/African-American, 0.0013%; no homozygotes.

Submissions (3):

Ambry Genetics
Classification: Uncertain significance for Hereditary cancer-predisposing syndrome. Last evaluated: 2024-08-02. Review status: criteria provided, single submitter. Criteria: Ambry Variant Classification Scheme 2023. Collection method: clinical testing. Allele origin: germline.
Comment: The p.I122V variant (also known as c.364A>G), located in coding exon 4 of the BMPR1A gene, results from an A to G substitution at nucleotide position 364. The isoleucine at codon 122 is replaced by valine, an amino acid with highly similar properties. This amino acid position is conserved. In addition, the in silico prediction for this alteration is inconclusive. Based on the available evidence, the clinical significance of this variant remains unclear.

Labcorp Genetics (formerly Invitae), Labcorp
Classification: Uncertain significance for Juvenile polyposis syndrome. Last evaluated: 2024-04-18. Review status: criteria provided, single submitter. Criteria: Invitae Variant Classification Sherloc (09022015). Collection method: clinical testing. Allele origin: germline.
Comment: This sequence change replaces isoleucine, which is neutral and non-polar, with valine, which is neutral and non-polar, at codon 122 of the BMPR1A protein (p.Ile122Val). This variant is present in population databases (no rsID available, gnomAD 0.01%). This variant has not been reported in the literature in individuals affected with BMPR1A-related conditions. ClinVar contains an entry for this variant (Variation ID: 2439537). Advanced modeling performed at Invitae incorporating data from internal and/or published experimental studies (Invitae) indicates that this missense variant is not expected to disrupt BMPR1A function with a negative predictive value of 95%. In summary, the available evidence is currently insufficient to determine the role of this variant in disease. Therefore, it has been classified as a Variant of Uncertain Significance.

Revvity Omics, Revvity
Classification: Uncertain significance. Last evaluated: 2022-07-31. Review status: criteria provided, single submitter. Criteria: ACMG Guidelines, 2015. Collection method: clinical testing. Allele origin: germline.

NM_004329.3(BMPR1A):c.364A>G (p.Ile122Val)

Gene: BMPR1A (bone morphogenetic protein receptor type 1A; plus strand). Cytogenetic location: 10q23.2.
Variant type: single nucleotide variant.
Coding change: c.364A>G on transcript NM_004329.3 (MANE Select); coding-DNA position 364, A replaced by G.
Protein change: p.Ile122Val; replaces isoleucine 122 with valine.
Molecular consequence: missense variant.
Genome position (GRCh38, 1-based): chr10:86,899,824, A>G. VCF-style: chr10-86899824-A-G. GRCh37 (hg19) VCF-style: chr10-88659581-A-G.
Other names: c.364A>G, p.Ile122Val (NM_001406559.1, NM_001406560.1, NM_001406561.1 and 22 more transcripts); c.280A>G, p.Ile94Val (NM_001406584.1, NM_001406585.1, NM_001406586.1 and 2 more transcripts); short protein forms I122V, I94V.
Identifiers: ClinVar variation 2439537 (VCV002439537.6), dbSNP rs1310807915, ClinGen allele CA377449398.
Genomic context (GRCh38, chr10:86,899,824, plus strand): 5'-TTTCTAATTTTATCATTACTCTTCTTTTAGGATTCTCCAAAAGCCCAGCTACGCCGGACA[A>G]TAGAATGTTGTCGGACCAATTTATGTAACCAGTATTTGCAACCCACACTGCCCCCTGTTG-3'
Protein context (NP_004320.2, residues 112-132): DSPKAQLRRT[Ile122Val]ECCRTNLCNQ